The following is an entry in ClinVar:

ClinVar aggregate classification (germline): Uncertain significance (1 of 4 stars; one submission).

Conditions:
Juvenile polyposis syndrome (JPS). Identifiers: Orphanet 2929, MedGen C0345893, MONDO:0017380, OMIM 174900.

Submission:

Labcorp Genetics (formerly Invitae), Labcorp
Classification: Uncertain significance for Juvenile polyposis syndrome. Last evaluated: 2024-05-28. Review status: criteria provided, single submitter. Criteria: Invitae Variant Classification Sherloc (09022015). Collection method: clinical testing. Allele origin: germline.
Comment: This sequence change replaces serine, which is neutral and polar, with phenylalanine, which is neutral and non-polar, at codon 325 of the SMAD4 protein (p.Ser325Phe). This variant is not present in population databases (gnomAD no frequency). This variant has not been reported in the literature in individuals affected with SMAD4-related conditions. Advanced modeling of protein sequence and biophysical properties (such as structural, functional, and spatial information, amino acid conservation, physicochemical variation, residue mobility, and thermodynamic stability) has been performed at Invitae for this missense variant, however the output from this modeling did not meet the statistical confidence thresholds required to predict the impact of this variant on SMAD4 protein function. In summary, the available evidence is currently insufficient to determine the role of this variant in disease. Therefore, it has been classified as a Variant of Uncertain Significance.

NM_005359.6(SMAD4):c.974C>T (p.Ser325Phe)

Gene: SMAD4 (SMAD family member 4; plus strand). Cytogenetic location: 18q21.2.
Variant type: single nucleotide variant.
Coding change: c.974C>T on transcript NM_005359.6 (MANE Select); coding-DNA position 974, C replaced by T.
Protein change: p.Ser325Phe; replaces serine 325 with phenylalanine.
Molecular consequence: missense variant. On other transcripts: non-coding transcript variant (2).
Genome position (GRCh38, 1-based): chr18:51,065,441, C>T. VCF-style: chr18-51065441-C-T. GRCh37 (hg19) VCF-style: chr18-48591811-C-T.
Other names: c.974C>T, p.Ser325Phe (NM_001407041.1, NM_001407042.1, NM_001407043.1); short protein forms S325F.
Identifiers: ClinVar variation 3637567 (VCV003637567.2).